The following is an entry in ClinVar:

NM_000400.4(ERCC2):c.936C>T (p.Asp312=)

Gene: ERCC2 (ERCC excision repair 2, TFIIH core complex helicase subunit; minus strand). Cytogenetic location: 19q13.32.
Variant type: single nucleotide variant.
Coding change: c.936C>T on transcript NM_000400.4 (MANE Select); coding-DNA position 936, C replaced by T.
Protein change: p.Asp312=; no amino-acid change (aspartic acid 312 retained).
Molecular consequence: synonymous variant.
Genome position (GRCh38, 1-based): chr19:45,363,999, G>A on the plus strand (C>T on the coding strand, the complement: ERCC2 is on the minus strand). VCF-style: chr19-45363999-G-A. GRCh37 (hg19) VCF-style: chr19-45867257-G-A.
Other names: c.864C>T, p.Asp288= (NM_001130867.2).
Identifiers: ClinVar variation 1595892 (VCV001595892.34), dbSNP rs747301897, ClinGen allele CA9513578.
Genomic context (GRCh38, chr19:45,363,999, plus strand): 5'-GGGGAGGCGGGAAAGGGACTGGGGGGCAGCGGGGGGTCGGGGCTCACCCTGCAGCACTTC[G>A]TCGGGCAGCACGGGGTTGGCCAGGTGGGCGTCCGTCTCCCGGGCGGCGCTGGCCTCCCGC-3'
Protein context (NP_000391.1, residues 302-322): DAHLANPVLP[Asp312=]EVLQEAVPGS

ClinVar aggregate classification (germline): Likely benign. Review status: criteria provided, multiple submitters, no conflicts (2 of 4 stars). 3 submissions from 3 submitters: Likely benign (3). Last evaluated 2026-02-01.

Conditions:
Inborn genetic diseases. Identifiers: MedGen C0950123, MeSH D030342.

Allele frequency attached by ClinVar (database versions not stated): gnomAD exomes 0.00001; TOPMed 0.00002.
gnomAD v4.1: 28 of 1,544,014 alleles (0.0018%); highest among the groups gnomAD compares: Non-Finnish European, 0.0024%; no homozygotes.

Submissions (3):

CeGaT Center for Human Genetics Tuebingen
Classification: Likely benign. Last evaluated: 2026-02-01. Review status: criteria provided, single submitter. Criteria: CeGaT Center For Human Genetics Tuebingen Variant Classification Criteria Version 2. Collection method: clinical testing. Allele origin: germline. Affected: yes. Observed: 3 variant alleles.
Comment: ERCC2: BP4, BP7

Labcorp Genetics (formerly Invitae), Labcorp
Classification: Likely benign. Last evaluated: 2025-12-20. Review status: criteria provided, single submitter. Criteria: Invitae Variant Classification Sherloc (09022015). Collection method: clinical testing. Allele origin: germline.

Ambry Genetics
Classification: Likely benign for Inborn genetic diseases. Last evaluated: 2022-03-29. Review status: criteria provided, single submitter. Criteria: Ambry Variant Classification Scheme 2023. Collection method: clinical testing. Allele origin: germline.